The following is an entry in ClinVar:

ClinVar aggregate classification (germline): Uncertain significance. Review status: criteria provided, multiple submitters, no conflicts (2 of 4 stars). 2 submissions from 2 submitters: Uncertain significance (2). Last evaluated 2022-12-05.

Conditions:
Inborn genetic diseases. Identifiers: MedGen C0950123, MeSH D030342.

Allele frequency attached by ClinVar (database versions not stated): gnomAD exomes 0.00004; ExAC 0.00001; gnomAD 0.00002; TOPMed 0.00004; ESP Exome Variant Server 0.00015.
gnomAD v4.1: 56 of 1,613,950 alleles (0.0035%); highest among the groups gnomAD compares: Non-Finnish European, 0.0042%; no homozygotes.

Submissions (2):

Ambry Genetics
Classification: Uncertain significance for Inborn genetic diseases. Last evaluated: 2022-12-05. Review status: criteria provided, single submitter. Criteria: Ambry Variant Classification Scheme 2023. Collection method: clinical testing. Allele origin: germline.

Labcorp Genetics (formerly Invitae), Labcorp
Classification: Uncertain significance. Last evaluated: 2022-06-23. Review status: criteria provided, single submitter. Criteria: Invitae Variant Classification Sherloc (09022015). Collection method: clinical testing. Allele origin: germline.
Comment: In summary, the available evidence is currently insufficient to determine the role of this variant in disease. Therefore, it has been classified as a Variant of Uncertain Significance. Algorithms developed to predict the effect of missense changes on protein structure and function are either unavailable or do not agree on the potential impact of this missense change (SIFT: "Deleterious"; PolyPhen-2: "Possibly Damaging"; Align-GVGD: "Class C0"). This variant has not been reported in the literature in individuals affected with MBTPS1-related conditions. This variant is present in population databases (rs148088429, gnomAD 0.002%). This sequence change replaces serine, which is neutral and polar, with cysteine, which is neutral and slightly polar, at codon 954 of the MBTPS1 protein (p.Ser954Cys).

NM_003791.4(MBTPS1):c.2861C>G (p.Ser954Cys)

Gene: MBTPS1 (membrane bound transcription factor peptidase, site 1; minus strand). Cytogenetic location: 16q23.3.
Variant type: single nucleotide variant.
Coding change: c.2861C>G on transcript NM_003791.4 (MANE Select); coding-DNA position 2861, C replaced by G.
Protein change: p.Ser954Cys; replaces serine 954 with cysteine.
Molecular consequence: missense variant.
Genome position (GRCh38, 1-based): chr16:84,056,106, G>C on the plus strand (C>G on the coding strand, the complement: MBTPS1 is on the minus strand). VCF-style: chr16-84056106-G-C. GRCh37 (hg19) VCF-style: chr16-84089711-G-C.
Other names: short protein forms S954C.
Identifiers: ClinVar variation 2046584 (VCV002046584.5), dbSNP rs148088429, ClinGen allele CA8200706.